The following is an entry in ClinVar:

NM_001099274.3(TINF2):c.386C>T (p.Ala129Val)

Gene: TINF2 (TERF1 interacting nuclear factor 2; minus strand). Cytogenetic location: 14q12.
Variant type: single nucleotide variant.
Coding change: c.386C>T on transcript NM_001099274.3 (MANE Select); coding-DNA position 386, C replaced by T.
Protein change: p.Ala129Val; replaces alanine 129 with valine.
Molecular consequence: missense variant.
Genome position (GRCh38, 1-based): chr14:24,241,688, G>A on the plus strand (C>T on the coding strand, the complement: TINF2 is on the minus strand). VCF-style: chr14-24241688-G-A. GRCh37 (hg19) VCF-style: chr14-24710894-G-A.
Other names: c.281C>T, p.Ala94Val (NM_001363668.2); c.386C>T, p.Ala129Val (NM_012461.3); short protein forms A129V, A94V.
Identifiers: ClinVar variation 2721396 (VCV002721396.3), dbSNP rs2502463697, ClinGen allele CA389232696.

ClinVar aggregate classification (germline): Uncertain significance (1 of 4 stars; one submission).

Conditions:
Dyskeratosis congenita. Identifiers: Orphanet 1775, MedGen C0265965, MONDO:0015780.

Submission:

Labcorp Genetics (formerly Invitae), Labcorp
Classification: Uncertain significance for Dyskeratosis congenita. Last evaluated: 2023-05-23. Review status: criteria provided, single submitter. Criteria: Invitae Variant Classification Sherloc (09022015). Collection method: clinical testing. Allele origin: germline.
Comment: In summary, the available evidence is currently insufficient to determine the role of this variant in disease. Therefore, it has been classified as a Variant of Uncertain Significance. An algorithm developed to predict the effect of missense changes on protein structure and function (PolyPhen-2) suggests that this variant is likely to be disruptive. This variant has not been reported in the literature in individuals affected with TINF2-related conditions. This variant is not present in population databases (gnomAD no frequency). This sequence change replaces alanine, which is neutral and non-polar, with valine, which is neutral and non-polar, at codon 129 of the TINF2 protein (p.Ala129Val).